The following is an entry in ClinVar:

NM_001009944.3(PKD1):c.2132del (p.Pro711fs)

Gene: PKD1 (polycystin 1, transient receptor potential channel interacting; minus strand). Cytogenetic location: 16p13.3.
Variant type: Deletion.
Coding change: c.2132del on transcript NM_001009944.3 (MANE Select); coding-DNA position 2132, one base deleted (C; older notation c.2132delC).
Protein change: p.Pro711fs; shifts the reading frame from proline 711.
Molecular consequence: frameshift variant.
Genome position (GRCh38, 1-based): chr16:2,114,891, G deleted on the plus strand (C on the coding strand, the reverse complement: PKD1 is on the minus strand); the first of 3 consecutive G bases (chr16:2,114,891-2,114,893); deleting any one gives the same sequence. VCF-style (leftmost placement, unchanged base first): chr16-2114890-AG-A. GRCh37 (hg19) VCF-style: chr16-2164891-AG-A.
Other names: c.2132del, p.Pro711fs (NM_000296.4); c.2132delC (NM_001009944.2); short protein forms P711fs.
Identifiers: ClinVar variation 4991135 (VCV004991135.1).

ClinVar aggregate classification (germline): Pathogenic (1 of 4 stars; one submission).

Conditions:
PKD1-related disorder. Also called: PKD1-related condition.

Submission:

PreventionGenetics, part of Exact Sciences
Classification: Pathogenic for PKD1-related condition. Last evaluated: 2026-09-14. Review status: criteria provided, single submitter. Criteria: ACMG Guidelines, 2015. Collection method: clinical testing. Allele origin: germline.
Comment: The PKD1 c.2132delC variant is predicted to result in a frameshift and premature protein termination (p.Pro711Leufs*74). To our knowledge, this variant has not been reported in the literature or in a large population database (gnomAD), indicating this variant is rare. Frameshift variants in PKD1 are expected to be pathogenic. This variant is interpreted as pathogenic.